The following is an entry in ClinVar:

NM_006767.4(LZTR1):c.2432C>G (p.Ser811Trp)

Gene: LZTR1 (leucine zipper like post translational regulator 1; plus strand). Cytogenetic location: 22q11.21.
Variant type: single nucleotide variant.
Coding change: c.2432C>G on transcript NM_006767.4 (MANE Select); coding-DNA position 2432, C replaced by G.
Protein change: p.Ser811Trp; replaces serine 811 with tryptophan.
Molecular consequence: missense variant.
Genome position (GRCh38, 1-based): chr22:20,997,257, C>G. VCF-style: chr22-20997257-C-G. GRCh37 (hg19) VCF-style: chr22-21351546-C-G.
Other names: short protein forms S811W.
Identifiers: ClinVar variation 4101876 (VCV004101876.1).

ClinVar aggregate classification (germline): Uncertain significance (1 of 4 stars; one submission).

Conditions:
Cardiovascular phenotype. Identifiers: MedGen CN230736.
Hereditary cancer-predisposing syndrome. Also called: Tumor predisposition; Neoplastic Syndromes, Hereditary; Hereditary neoplastic syndrome; Hereditary Cancer Syndrome. Identifiers: Orphanet 140162, MedGen C0027672, MeSH D009386, MONDO:0015356.

gnomAD v4.1: 1 of 1,613,740 alleles (0.000062%); highest among the groups gnomAD compares: South Asian, 0.0011%; no homozygotes.

Submission:

Ambry Genetics
Classification: Uncertain significance for Cardiovascular phenotype; Hereditary cancer-predisposing syndrome. Last evaluated: 2025-06-28. Review status: criteria provided, single submitter. Criteria: Ambry Variant Classification Scheme 2023. Collection method: clinical testing. Allele origin: germline.
Comment: The p.S811W variant (also known as c.2432C>G), located in coding exon 21 of the LZTR1 gene, results from a C to G substitution at nucleotide position 2432. The serine at codon 811 is replaced by tryptophan, an amino acid with highly dissimilar properties. This amino acid position is conserved. In addition, this alteration is predicted to be tolerated by in silico analysis. Based on the available evidence, the clinical significance of this variant remains unclear.